The following is an entry in ClinVar:

ClinVar aggregate classification (germline): Uncertain significance (1 of 4 stars; one submission).

Conditions:
Neurodegeneration with brain iron accumulation 6 (NBIA6). Also called: COASY protein-associated neurodegeneration. Identifiers: Orphanet 397725, MedGen C4517377, MONDO:0014290, OMIM 615643.

Allele frequency attached by ClinVar (database versions not stated): TOPMed below 0.00001; gnomAD 0.00001; gnomAD exomes 0.00001; 1000 Genomes Project 30x 0.00016; 1000 Genomes Project 0.00020.

Submission:

Labcorp Genetics (formerly Invitae), Labcorp
Classification: Uncertain significance for Neurodegeneration with brain iron accumulation 6. Last evaluated: 2023-10-03. Review status: criteria provided, single submitter. Criteria: Invitae Variant Classification Sherloc (09022015). Collection method: clinical testing. Allele origin: germline.
Comment: This sequence change replaces serine, which is neutral and polar, with asparagine, which is neutral and polar, at codon 252 of the COASY protein (p.Ser252Asn). This variant is present in population databases (rs188790503, gnomAD 0.01%). This variant has not been reported in the literature in individuals affected with COASY-related conditions. ClinVar contains an entry for this variant (Variation ID: 1444489). Advanced modeling of protein sequence and biophysical properties (such as structural, functional, and spatial information, amino acid conservation, physicochemical variation, residue mobility, and thermodynamic stability) performed at Invitae indicates that this missense variant is not expected to disrupt COASY protein function. In summary, the available evidence is currently insufficient to determine the role of this variant in disease. Therefore, it has been classified as a Variant of Uncertain Significance.

NM_025233.7(COASY):c.755G>A (p.Ser252Asn)

Gene: COASY (Coenzyme A synthase; plus strand). Cytogenetic location: 17q21.2.
Variant type: single nucleotide variant.
Coding change: c.755G>A on transcript NM_025233.7 (MANE Select); coding-DNA position 755, G replaced by A.
Protein change: p.Ser252Asn; replaces serine 252 with asparagine.
Molecular consequence: missense variant.
Genome position (GRCh38, 1-based): chr17:42,564,015, G>A. VCF-style: chr17-42564015-G-A. GRCh37 (hg19) VCF-style: chr17-40716033-G-A.
Other names: c.755G>A, p.Ser252Asn (NM_001042529.3); c.842G>A, p.Ser281Asn (NM_001042532.4); short protein forms S252N, S281N.
Identifiers: ClinVar variation 1444489 (VCV001444489.5), dbSNP rs188790503, ClinGen allele CA290771385.